The following is an entry in ClinVar:

ClinVar aggregate classification (germline): Uncertain significance (1 of 4 stars; one submission).

Submission:

Labcorp Genetics (formerly Invitae), Labcorp
Classification: Uncertain significance. Last evaluated: 2022-03-26. Review status: criteria provided, single submitter. Criteria: Invitae Variant Classification Sherloc (09022015). Collection method: clinical testing. Allele origin: germline.
Comment: In summary, the available evidence is currently insufficient to determine the role of this variant in disease. Therefore, it has been classified as a Variant of Uncertain Significance. Experimental studies and prediction algorithms are not available or were not evaluated, and the functional significance of this variant is currently unknown. This variant has not been reported in the literature in individuals affected with KIAA0753-related conditions. Information on the frequency of this variant in the gnomAD database is not available, as this variant may be reported differently in the database. This sequence change replaces alanine, which is neutral and non-polar, with threonine, which is neutral and polar, at codon 573 of the KIAA0753 protein (p.Ala573Thr).

NM_014804.3(KIAA0753):c.1716_1717inv (p.Ala573Thr)

Gene: KIAA0753 (KIAA0753; minus strand). Cytogenetic location: 17p13.1.
Variant type: Inversion.
Coding change: c.1716_1717inv on transcript NM_014804.3 (MANE Select).
Protein change: p.Ala573Thr; replaces alanine 573 with threonine.
Molecular consequence: missense variant. On other transcripts: non-coding transcript variant (3).
Genome position: GRCh38 VCF-style: chr17-6608460-CA-TG. GRCh37 (hg19) VCF-style: chr17-6511780-CA-TG.
Other names: c.819_820inv, p.Ala274Thr (NM_001351225.2); short protein forms A274T, A573T.
Identifiers: ClinVar variation 2183257 (VCV002183257.4), ClinGen allele CA2580094730.